The following is an entry in ClinVar:

NM_000090.4(COL3A1):c.1337G>C (p.Arg446Pro)

Gene: COL3A1 (collagen type III alpha 1 chain; plus strand). Cytogenetic location: 2q32.2.
Variant type: single nucleotide variant.
Coding change: c.1337G>C on transcript NM_000090.4 (MANE Select); coding-DNA position 1337, G replaced by C.
Protein change: p.Arg446Pro; replaces arginine 446 with proline.
Molecular consequence: missense variant.
Genome position (GRCh38, 1-based): chr2:188,994,584, G>C. VCF-style: chr2-188994584-G-C. GRCh37 (hg19) VCF-style: chr2-189859310-G-C.
Other names: short protein forms R446P.
Identifiers: ClinVar variation 3386448 (VCV003386448.2).

ClinVar aggregate classification (germline): Uncertain significance. Review status: criteria provided, multiple submitters, no conflicts (2 of 4 stars). 2 submissions from 2 submitters: Uncertain significance (2). Last evaluated 2024-08-13.

Conditions:
Familial thoracic aortic aneurysm and aortic dissection (TAAD). Also called: Thoracic aortic aneurysms and dissections. Identifiers: Orphanet 91387, MedGen C4707243, MONDO:0019625.
Ehlers-Danlos syndrome, type 4 (EDSVASC). Also called: Ehlers-Danlos syndrome vascular type; Ehlers Danlos syndrome, ecchymotic type; Ehlers Danlos syndrome, arterial type; Ehlers Danlos syndrome, Sack-Barabas type; Ehlers-Danlos Syndrome Type IV. Identifiers: Orphanet 286, MedGen C0268338, MONDO:0017314, OMIM 130050.

gnomAD v4.1: 4 of 1,614,020 alleles (0.00025%); highest among the groups gnomAD compares: Non-Finnish European, 0.00034%; no homozygotes.

Submissions (2):

All of Us Research Program, National Institutes of Health
Classification: Uncertain significance for Ehlers-Danlos syndrome, type 4. Last evaluated: 2024-08-13. Review status: criteria provided, single submitter. Criteria: ACMG Guidelines, 2015. Collection method: clinical testing. Allele origin: germline. Inheritance: Autosomal dominant inheritance. Observed: 1 variant allele, 1 heterozygote.
Comment: This missense variant replaces arginine with proline at codon 446 of the COL3A1 protein. Computational prediction is inconclusive regarding the impact of this variant on protein structure and function (internally defined REVEL score threshold 0.5 < inconclusive < 0.7, PMID: 27666373). To our knowledge, functional studies have not been reported for this variant. This variant has not been reported in individuals affected with COL3A1-related disorders in the literature. This variant has been identified in 1/251222 chromosomes in the general population by the Genome Aggregation Database (gnomAD). The available evidence is insufficient to determine the role of this variant in disease conclusively. Therefore, this variant is classified as a Variant of Uncertain Significance.

This study involves interpretation of variants in research participants for the purpose of population health screening. Participant phenotype was not available at the time of variant classification. Additional details can be found in publication PMID: 35346344, PMCID: PMC8962531

Color Diagnostics, LLC DBA Color Health
Classification: Uncertain significance for Familial thoracic aortic aneurysm and aortic dissection. Last evaluated: 2024-07-23. Review status: criteria provided, single submitter. Criteria: ACMG Guidelines, 2015. Collection method: clinical testing. Allele origin: germline.
Comment: This missense variant replaces arginine with proline at codon 446 of the COL3A1 protein. Computational prediction is inconclusive regarding the impact of this variant on protein structure and function. To our knowledge, functional studies have not been reported for this variant. This variant has not been reported in individuals affected with COL3A1-related disorders in the literature. This variant has been identified in 1/251222 chromosomes in the general population by the Genome Aggregation Database (gnomAD). The available evidence is insufficient to determine the role of this variant in disease conclusively. Therefore, this variant is classified as a Variant of Uncertain Significance.